The following is an entry in ClinVar:

ClinVar aggregate classification (germline): Uncertain significance (1 of 4 stars; one submission).

Allele frequency attached by ClinVar (database versions not stated): gnomAD 0.00001; gnomAD exomes 0.00001; TOPMed 0.00001.
gnomAD v4.1: 4 of 1,613,160 alleles (0.00025%); highest among the groups gnomAD compares: Admixed American, 0.0067%; no homozygotes.

Submission:

Labcorp Genetics (formerly Invitae), Labcorp
Classification: Uncertain significance. Last evaluated: 2022-10-27. Review status: criteria provided, single submitter. Criteria: Invitae Variant Classification Sherloc (09022015). Collection method: clinical testing. Allele origin: germline.
Comment: In summary, the available evidence is currently insufficient to determine the role of this variant in disease. Therefore, it has been classified as a Variant of Uncertain Significance. Algorithms developed to predict the effect of missense changes on protein structure and function output the following: SIFT: "Tolerated"; PolyPhen-2: "Benign"; Align-GVGD: "Class C0". The leucine amino acid residue is found in multiple mammalian species, which suggests that this missense change does not adversely affect protein function. This variant has not been reported in the literature in individuals affected with HR-related conditions. This variant is not present in population databases (gnomAD no frequency). This sequence change replaces phenylalanine, which is neutral and non-polar, with leucine, which is neutral and non-polar, at codon 65 of the HR protein (p.Phe65Leu).

NM_005144.5(HR):c.193T>C (p.Phe65Leu)

Gene: HR (HR lysine demethylase and nuclear receptor corepressor; minus strand). Cytogenetic location: 8p21.3.
Variant type: single nucleotide variant.
Coding change: c.193T>C on transcript NM_005144.5 (MANE Select); coding-DNA position 193, T replaced by C.
Protein change: p.Phe65Leu; replaces phenylalanine 65 with leucine.
Molecular consequence: missense variant.
Genome position (GRCh38, 1-based): chr8:22,128,978, A>G on the plus strand (T>C on the coding strand, the complement: HR is on the minus strand). VCF-style: chr8-22128978-A-G. GRCh37 (hg19) VCF-style: chr8-21986491-A-G.
Other names: c.193T>C, p.Phe65Leu (NM_018411.4); short protein forms F65L.
Identifiers: ClinVar variation 2977778 (VCV002977778.3), dbSNP rs1826978511, ClinGen allele CA370507720.